The following is an entry in ClinVar:

ClinVar aggregate classification (germline): Benign/Likely benign. Review status: criteria provided, multiple submitters, no conflicts (2 of 4 stars). 4 submissions from 4 submitters: Benign (1); Likely benign (3). Last evaluated 2025-09-03.

Conditions:
Hereditary cancer-predisposing syndrome. Also called: Hereditary Cancer Syndrome; Tumor predisposition; Neoplastic Syndromes, Hereditary; Hereditary neoplastic syndrome. Identifiers: Orphanet 140162, MedGen C0027672, MeSH D009386, MONDO:0015356.
Familial adenomatous polyposis 1 (FAP1). Also called: FAMILIAL ADENOMATOUS POLYPOSIS 1, ATTENUATED; POLYPOSIS, ADENOMATOUS INTESTINAL. Identifiers: MedGen C2713442, MONDO:0021056, OMIM 175100. Disease mechanism: loss of function.

Submissions (4):

Labcorp Genetics (formerly Invitae), Labcorp
Classification: Likely benign for Familial adenomatous polyposis 1. Last evaluated: 2025-09-03. Review status: criteria provided, single submitter. Criteria: Invitae Variant Classification Sherloc (09022015). Collection method: clinical testing. Allele origin: germline.

Myriad Genetics, Inc.
Classification: Benign for Familial adenomatous polyposis 1. Last evaluated: 2024-04-11. Review status: criteria provided, single submitter. Criteria: Myriad Autosomal Dominant, Autosomal Recessive and X-Linked Classification Criteria (2023). Collection method: clinical testing. Allele origin: unknown.
Comment: This variant is considered benign. This variant is a silent/synonymous amino acid change and it is not expected to impact splicing.

Color Diagnostics, LLC DBA Color Health
Classification: Likely benign for Hereditary cancer-predisposing syndrome. Last evaluated: 2021-02-16. Review status: criteria provided, single submitter. Criteria: ACMG Guidelines, 2015. Collection method: clinical testing. Allele origin: germline.

Ambry Genetics
Classification: Likely benign for Hereditary cancer-predisposing syndrome. Last evaluated: 2020-06-24. Review status: criteria provided, single submitter. Criteria: Ambry Variant Classification Scheme 2023. Collection method: clinical testing. Allele origin: germline.

NM_000038.6(APC):c.7837A>C (p.Arg2613=)

Gene: APC (APC regulator of Wnt signaling pathway; plus strand). Cytogenetic location: 5q22.2.
Variant type: single nucleotide variant.
Coding change: c.7837A>C on transcript NM_000038.6 (MANE Select); coding-DNA position 7837, A replaced by C.
Protein change: p.Arg2613=; no amino-acid change (arginine 2613 retained).
Molecular consequence: synonymous variant.
Genome position (GRCh38, 1-based): chr5:112,843,431, A>C. VCF-style: chr5-112843431-A-C. GRCh37 (hg19) VCF-style: chr5-112179128-A-C.
Other names: c.7837A>C, p.Arg2613= (NM_001127510.3, NM_001354895.2); c.7783A>C, p.Arg2595= (NM_001127511.3); c.7891A>C, p.Arg2631= (NM_001354896.2); c.7867A>C, p.Arg2623= (NM_001354897.2); c.7762A>C, p.Arg2588= (NM_001354898.2); c.7753A>C, p.Arg2585= (NM_001354899.2); c.7714A>C, p.Arg2572= (NM_001354900.2); c.7660A>C, p.Arg2554= (NM_001354901.2); and 5 more.
Identifiers: ClinVar variation 703666 (VCV000703666.17), dbSNP rs1580687107, ClinGen allele CA446211281.